The following is an entry in ClinVar:

NM_001081.4(CUBN):c.3604G>A (p.Ala1202Thr)

Gene: CUBN (cubilin; minus strand). Cytogenetic location: 10p13.
Variant type: single nucleotide variant.
Coding change: c.3604G>A on transcript NM_001081.4 (MANE Select); coding-DNA position 3604, G replaced by A.
Protein change: p.Ala1202Thr; replaces alanine 1202 with threonine.
Molecular consequence: missense variant.
Genome position (GRCh38, 1-based): chr10:17,045,075, C>T on the plus strand (G>A on the coding strand, the complement: CUBN is on the minus strand). VCF-style: chr10-17045075-C-T. GRCh37 (hg19) VCF-style: chr10-17087074-C-T.
Other names: short protein forms A1202T.
Identifiers: ClinVar variation 299487 (VCV000299487.24), dbSNP rs141740096, ClinGen allele CA5424618.

ClinVar aggregate classification (germline): Conflicting classifications of pathogenicity. Review status: criteria provided, conflicting classifications (1 of 4 stars). 4 submissions from 4 submitters: Uncertain significance (1); Likely benign (2). 1 of the submissions does not count toward it. Last evaluated 2026-01-19.

Conditions:
CUBN-related disorder. Also called: CUBN-related condition.
Imerslund-Grasbeck syndrome type 1 (IGS1). Also called: MEGALOBLASTIC ANEMIA, 1; Imerslund-Gräsbeck syndrome 1; Megaloblastic anemia 1, Finnish type. Identifiers: MedGen C4016819, MONDO:0100156, OMIM 261100.
Imerslund-Grasbeck syndrome. Also called: Megaloblastic anemia due to inborn errors of metabolism; Imerslund-Gräsbeck syndrome; ENTEROCYTE COBALAMIN MALABSORPTION; ENTEROCYTE INTRINSIC FACTOR RECEPTOR, DEFECT OF; PERNICIOUS ANEMIA, JUVENILE, DUE TO SELECTIVE INTESTINAL MALABSORPTION OF VITAMIN B12, WITH PROTEINURIA. Identifiers: Orphanet 35858, MedGen C4551825, MONDO:0009853.

Allele frequency attached by ClinVar (database versions not stated): 1000 Genomes Project 30x 0.00016; TOPMed 0.00072; ESP Exome Variant Server 0.00092.
gnomAD v4.1: 1,987 of 1,614,034 alleles (0.12%); highest among the groups gnomAD compares: Non-Finnish European, 0.15%; no homozygotes.

Submissions (4):

Labcorp Genetics (formerly Invitae), Labcorp
Classification: Likely benign for Imerslund-Grasbeck syndrome. Last evaluated: 2026-01-19. Review status: criteria provided, single submitter. Criteria: Invitae Variant Classification Sherloc (09022015). Collection method: clinical testing. Allele origin: germline.

CeGaT Center for Human Genetics Tuebingen
Classification: Likely benign. Last evaluated: 2025-07-01. Review status: criteria provided, single submitter. Criteria: CeGaT Center For Human Genetics Tuebingen Variant Classification Criteria Version 2. Collection method: clinical testing. Allele origin: germline. Affected: yes. Observed: 1 variant allele.
Comment: CUBN: BP4

Illumina Laboratory Services, Illumina
Classification: Uncertain significance for Imerslund-Grasbeck syndrome type 1. Last evaluated: 2018-01-13. Review status: criteria provided, single submitter. Criteria: ICSL Variant Classification Criteria 13 December 2019. Collection method: clinical testing. Allele origin: germline.

PreventionGenetics, part of Exact Sciences
Classification: Likely benign for CUBN-related condition. Last evaluated: 2024-05-01. Review status: no assertion criteria provided. Collection method: clinical testing. Allele origin: germline. Not counted in ClinVar's aggregate classification.
Comment: This variant is classified as likely benign based on ACMG/AMP sequence variant interpretation guidelines (Richards et al. 2015 PMID: 25741868, with internal and published modifications).